The following is an entry in ClinVar:

ClinVar aggregate classification (germline): Uncertain significance (1 of 4 stars; one submission).

Conditions:
Cardiovascular phenotype. Identifiers: MedGen CN230736.

gnomAD v4.1: 9 of 1,613,870 alleles (0.00056%); highest among the groups gnomAD compares: Middle Eastern, 0.017%; no homozygotes.

Submission:

Molecular Diagnostic Laboratory for Inherited Cardiovascular Disease, Montreal Heart Institute
Classification: Uncertain significance for Cardiovascular phenotype. Last evaluated: 2026-09-21. Review status: criteria provided, single submitter. Criteria: ACMG Guidelines, 2015. Collection method: clinical testing. Allele origin: germline. Affected: yes.
Comment: PM2

NM_020745.4(AARS2):c.1987C>T (p.Arg663Cys)

Gene: AARS2 (alanyl-tRNA synthetase 2, mitochondrial; minus strand). Cytogenetic location: 6p21.1.
Variant type: single nucleotide variant.
Coding change: c.1987C>T on transcript NM_020745.4 (MANE Select); coding-DNA position 1987, C replaced by T.
Protein change: p.Arg663Cys; replaces arginine 663 with cysteine.
Molecular consequence: missense variant.
Genome position (GRCh38, 1-based): chr6:44,304,201, G>A on the plus strand (C>T on the coding strand, the complement: AARS2 is on the minus strand). VCF-style: chr6-44304201-G-A. GRCh37 (hg19) VCF-style: chr6-44271938-G-A.
Other names: short protein forms R663C.
Identifiers: ClinVar variation 5037840 (VCV005037840.1), dbSNP rs780476557.